The following is an entry in ClinVar:

ClinVar aggregate classification (germline): Uncertain significance (1 of 4 stars; one submission).

Conditions:
Hereditary pancreatitis (PCTT). Also called: PRSS1-Related Hereditary Pancreatitis; Hereditary chronic pancreatitis. Identifiers: Orphanet 676, MedGen C0238339, MONDO:0008185, OMIM 167800.

Allele frequency attached by ClinVar (database versions not stated): gnomAD exomes below 0.00001.

Submission:

Ambry Genetics
Classification: Uncertain significance for Hereditary pancreatitis. Last evaluated: 2025-11-19. Review status: criteria provided, single submitter. Criteria: Ambry Variant Classification Scheme 2023. Collection method: clinical testing. Allele origin: germline.
Comment: The p.H110Q variant (also known as c.330C>G), located in coding exon 4 of the CTRC gene, results from a C to G substitution at nucleotide position 330. The histidine at codon 110 is replaced by glutamine, an amino acid with highly similar properties. This amino acid position is conserved. In addition, this alteration is predicted to be deleterious by in silico analysis. Since supporting evidence is limited at this time, the clinical significance of this alteration remains unclear.

NM_007272.3(CTRC):c.330C>G (p.His110Gln)

Gene: CTRC (chymotrypsin C; plus strand). Cytogenetic location: 1p36.21.
Variant type: single nucleotide variant.
Coding change: c.330C>G on transcript NM_007272.3 (MANE Select); coding-DNA position 330, C replaced by G.
Protein change: p.His110Gln; replaces histidine 110 with glutamine.
Molecular consequence: missense variant.
Genome position (GRCh38, 1-based): chr1:15,442,546, C>G. VCF-style: chr1-15442546-C-G. GRCh37 (hg19) VCF-style: chr1-15769042-C-G.
Other names: short protein forms H110Q.
Identifiers: ClinVar variation 2624556 (VCV002624556.3), dbSNP rs2526294709, ClinGen allele CA338565633.
Genomic context (GRCh38, chr1:15,442,546, plus strand): 5'-CCTGGAGGTGGAAGACGAAGAAGGATCCCTGTTTGTGGGTGTGGACACCATCCACGTCCA[C>G]AAGAGATGGAATGCCCTCCTGTTGCGGTGAGTGACAGACTGCCCATCCCACAGCCACTGG-3'
Protein context (NP_009203.2, residues 100-120): LFVGVDTIHV[His110Gln]KRWNALLLRN